The following is an entry in ClinVar:

ClinVar aggregate classification (germline): Pathogenic/Likely pathogenic. Review status: criteria provided, multiple submitters, no conflicts (2 of 4 stars). 6 submissions from 6 submitters: Pathogenic (4); Likely pathogenic (1). 1 of the submissions does not count toward it. Last evaluated 2025-08-12.

Conditions:
Laron-type isolated somatotropin defect. Also called: Growth hormone binding protein deficiency or dysfunction; Growth hormone receptor deficiency or dysfunction; Laron dwarfism; Laron type pituitary dwarfism I; GROWTH HORMONE RECEPTOR DEFICIENCY; Laron Syndrome. Identifiers: Orphanet 633, MedGen C0271568, MONDO:0009877, OMIM 262500.
GHR-related disorder. Also called: GHR-related condition.
Growth hormone insensitivity syndrome. Identifiers: Orphanet 181393, MedGen C4318479, MONDO:0015892.

Allele frequency attached by ClinVar (database versions not stated): gnomAD 0.00001.
gnomAD v4.1: 1 of 152,194 alleles (0.00066%); highest among the groups gnomAD compares: South Asian, 0.021%; no homozygotes.

Submissions (6):

Labcorp Genetics (formerly Invitae), Labcorp
Classification: Pathogenic. Last evaluated: 2025-08-12. Review status: criteria provided, single submitter. Criteria: Invitae Variant Classification Sherloc (09022015). Collection method: clinical testing. Allele origin: germline.
Comment: This sequence change falls in intron 6 of the GHR gene. It does not directly change the encoded amino acid sequence of the GHR protein. RNA analysis indicates that this variant induces altered splicing and likely results in the gain of 36 amino acid residue(s), but is expected to preserve the integrity of the reading-frame. This variant is not present in population databases (gnomAD no frequency). This variant has been observed in individual(s) with autosomal recessive GHR-related conditions (PMID: 11468686, 17148568, 24335149, 25411237). It has also been observed to segregate with disease in related individuals. This variant is also known as A>G at the 5' pseudoexon 6 splice site. ClinVar contains an entry for this variant (Variation ID: 8655). Studies have shown that this variant results in the activation of a cryptic splice site in intron 6 (PMID: 11468686). For these reasons, this variant has been classified as Pathogenic.

Women's Health and Genetics/Laboratory Corporation of America, LabCorp
Classification: Pathogenic for Growth hormone insensitivity syndrome. Last evaluated: 2025-07-31. Review status: criteria provided, single submitter. Criteria: LabCorp Variant Classification Summary - May 2015. Collection method: clinical testing. Allele origin: germline.
Comment: Variant summary: GHR c.618+792A>G, also reported as "A>G at the 5' pseudoexon 6 splice site", is located at a position not widely known to affect splicing. Several computational tools predict a significant impact on normal splicing: One predicts the variant strengthens a cryptic 5' donor site. Three predict the variant creates a 5' donor site. At least one publication reports experimental evidence that this variant affects mRNA splicing in patient sample(s) as well as in an in vitro splicing assay, resulting in the inclusion of a 108 bp pseudoexon expected to add a 36 amino acid in-frame insertion between exons 6 and 7 (Metherell_2001). The variant allele was found at a frequency of 6.6e-06 in 152394 control chromosomes. c.618+792A>G has been observed in the homozygous state in multiple individuals affected with autosomal recessive Growth Hormone Insensitivity also known as Laron syndrome (example, Metherell_2001, Shapiro_2017), including at least 1 family where it segregated with disease. These data indicate that the variant is very likely to be associated with disease. The following publications have been ascertained in the context of this evaluation (PMID: 11468686, 28870985, 33912130). ClinVar contains an entry for this variant (Variation ID: 8655). Based on the evidence outlined above, the variant was classified as pathogenic.

Blueprint Genetics
Classification: Pathogenic for GHR-related disorders. Last evaluated: 2024-10-30. Review status: criteria provided, single submitter. Criteria: ACMG Guidelines, 2015. Collection method: clinical testing. Allele origin: germline. Affected: yes. Observed: 3 variant alleles.

Foundation for Research in Genetics and Endocrinology, FRIGE's Institute of Human Genetics
Classification: Likely pathogenic for Laron-type isolated somatotropin defect. Last evaluated: 2024-02-26. Review status: criteria provided, single submitter. Criteria: ACMG Guidelines, 2015. Collection method: clinical testing. Allele origin: germline. Inheritance: Autosomal recessive inheritance. Affected: yes. Observed: 1 compound heterozygote.
Comment: A heterozygous variant in intron 6 of the GHR gene (c.618+792A>G) was detected. The observed variant has previously been reported in patients affected with GH or IGF1 insensitivity [PMID: 24335149] This variant has not been reported in the 1000 genomes, gnomdAD (v2.1) and topmed databases and has a minor allele frequency of 0.0007% in the gnomAD (v3.1) databases respectively. The in-silico prediction of the variant is damaging by MutationTaster2. The reference codon is conserved across species. In summary, the variant meets our criteria to be classified as likely pathogenic.

3billion
Classification: Pathogenic for Laron-type isolated somatotropin defect. Last evaluated: 2023-07-17. Review status: criteria provided, single submitter. Criteria: ACMG Guidelines, 2015. Collection method: clinical testing. Allele origin: germline. Affected: yes.
Comment: The variant is not observed in the gnomAD v2.1.1 dataset. Predicted Consequence/Location: Intron variant: previously reported to alter splicing (PMID: 11468686). Intron variant: previously reported to alter splicing (PMID: 11468686). Therefore, this variant is classified as Pathogenic according to the recommendation of ACMG/AMP guideline.

OMIM
Classification: Pathogenic for LARON SYNDROME. Last evaluated: 2007-02-01. Review status: no assertion criteria provided. Collection method: literature only. Allele origin: germline. Not counted in ClinVar's aggregate classification.

Literature cited by the submitters: PubMed 11468686 (cited by 4 submitters); PubMed 17148568 (cited by 3 submitters); PubMed 24335149 (cited by Labcorp Genetics (formerly Invitae), Labcorp and 3billion); PubMed 25411237 (cited by Labcorp Genetics (formerly Invitae), Labcorp and 3billion); PubMed 28870985 (cited by Women's Health and Genetics/Laboratory Corporation of America, LabCorp); PubMed 33912130 (cited by Women's Health and Genetics/Laboratory Corporation of America, LabCorp).

NM_000163.5(GHR):c.618+792A>G

Gene: GHR (growth hormone receptor; plus strand). Cytogenetic location: 5p12.
Variant type: single nucleotide variant.
Coding change: c.618+792A>G on transcript NM_000163.5 (MANE Select); 792 bases into the intron after coding-DNA position 618, A replaced by G.
Molecular consequence: intron variant.
Genome position (GRCh38, 1-based): chr5:42,700,794, A>G. VCF-style: chr5-42700794-A-G. GRCh37 (hg19) VCF-style: chr5-42700896-A-G.
Other names: c.552+792A>G (NM_001242460.2); c.618+792A>G (NM_001242400.2, NM_001242401.4, NM_001242402.2 and 5 more transcripts); c.639+792A>G (NM_001242399.2).
Identifiers: ClinVar variation 8655 (VCV000008655.12), dbSNP rs1011727375, ClinGen allele CA118048339.